The following is an entry in ClinVar:

NM_000535.7(PMS2):c.1903G>T (p.Glu635Ter)

Gene: PMS2 (PMS1 homolog 2, mismatch repair system component; minus strand). Cytogenetic location: 7p22.1.
Variant type: single nucleotide variant.
Coding change: c.1903G>T on transcript NM_000535.7 (MANE Select); coding-DNA position 1903, G replaced by T.
Protein change: p.Glu635Ter; replaces glutamic acid 635 with a stop codon.
Molecular consequence: nonsense. On other transcripts: non-coding transcript variant (1), intron variant (1).
Genome position (GRCh38, 1-based): chr7:5,986,862, C>A on the plus strand (G>T on the coding strand, the complement: PMS2 is on the minus strand). VCF-style: chr7-5986862-C-A. GRCh37 (hg19) VCF-style: chr7-6026493-C-A.
Other names: c.1498G>T, p.Glu500Ter (NM_001018040.1, NM_001322003.2, NM_001322004.2 and 17 more transcripts); c.1747G>T, p.Glu583Ter (NM_001322006.2, NM_001406870.1); c.1585G>T, p.Glu529Ter (NM_001322007.2, NM_001322008.2, NM_001406876.1 and 2 more transcripts); c.1342G>T, p.Glu448Ter (NM_001322010.2, NM_001406906.1, NM_001406907.1); c.970G>T, p.Glu324Ter (NM_001322011.2, NM_001322012.2); c.1330G>T, p.Glu444Ter (NM_001322013.2, NM_001406909.1); c.1903G>T, p.Glu635Ter (NM_001322014.2, NM_001406871.1, NM_001406872.1); c.1594G>T, p.Glu532Ter (NM_001322015.2, NM_001406875.1, NM_001406877.1 and 5 more transcripts); and 13 more; short protein forms E324*, E378*, E444*, E448*, E464*, E477*, E480*, E500*.
Identifiers: ClinVar variation 2573186 (VCV002573186.1), dbSNP rs878854040, ClinGen allele CA366739336.
Genomic context (GRCh38, chr7:5,986,862, plus strand): 5'-CAGGACAAATCTTTGCCCTAAACTTCCTGTAATTCTGTTCCCCTTCACTTTGCTGTGCTT[C>A]ATGATGTAACTGCTTTATTCGTTTAGCTAAAGAACTCATAGAAAAGTCCAGGGGCACAAC-3'

ClinVar aggregate classification (germline): Pathogenic (1 of 4 stars; one submission).

Conditions:
Mismatch repair cancer syndrome 4. Identifiers: MedGen C5436817, MONDO:0030843, OMIM 619101.

Submission:

KCCC/NGS Laboratory, Kuwait Cancer Control Center
Classification: Pathogenic for Mismatch repair cancer syndrome 4. Last evaluated: 2023-07-07. Review status: criteria provided, single submitter. Criteria: ACMG Guidelines, 2015. Collection method: clinical testing. Allele origin: unknown. Affected: yes.
Comment: This change (c.1903G>T) replaces the codon for glutamate with a termination codon. This causes the protein to be truncated at exon 11. This variant is not listed in the population database gnomAD or ClinVar. Therefore, we classify this variant as likely pathogenic.